The following is an entry in ClinVar:

NM_000264.5(PTCH1):c.811A>G (p.Ile271Val)

Gene: PTCH1 (patched 1; minus strand). Cytogenetic location: 9q22.32.
Variant type: single nucleotide variant.
Coding change: c.811A>G on transcript NM_000264.5 (MANE Select); coding-DNA position 811, A replaced by G.
Protein change: p.Ile271Val; replaces isoleucine 271 with valine.
Molecular consequence: missense variant. On other transcripts: non-coding transcript variant (1).
Genome position (GRCh38, 1-based): chr9:95,480,524, T>C on the plus strand (A>G on the coding strand, the complement: PTCH1 is on the minus strand). VCF-style: chr9-95480524-T-C. GRCh37 (hg19) VCF-style: chr9-98242806-T-C.
Other names: c.613A>G, p.Ile205Val (NM_001083602.3); c.808A>G, p.Ile270Val (NM_001083603.3); c.358A>G, p.Ile120Val (NM_001083604.3, NM_001083605.3, NM_001083606.3 and 1 more transcripts); c.811A>G, p.Ile271Val (NM_001354918.2); short protein forms I120V, I205V, I270V, I271V.
Identifiers: ClinVar variation 3231059 (VCV003231059.1), dbSNP rs759781538, ClinGen allele CA5138837.

ClinVar aggregate classification (germline): Uncertain significance (1 of 4 stars; one submission).

Conditions:
Hereditary cancer-predisposing syndrome. Also called: Neoplastic Syndromes, Hereditary; Tumor predisposition; Hereditary neoplastic syndrome; Hereditary Cancer Syndrome. Identifiers: Orphanet 140162, MedGen C0027672, MeSH D009386, MONDO:0015356.

Allele frequency attached by ClinVar (database versions not stated): gnomAD exomes below 0.00001; ExAC 0.00001.
gnomAD v4.1: 2 of 1,613,534 alleles (0.00012%); highest among the groups gnomAD compares: South Asian, 0.0022%; no homozygotes.

Submission:

Ambry Genetics
Classification: Uncertain significance for Hereditary cancer-predisposing syndrome. Last evaluated: 2023-10-15. Review status: criteria provided, single submitter. Criteria: Ambry Variant Classification Scheme 2023. Collection method: clinical testing. Allele origin: germline.
Comment: The p.I271V variant (also known as c.811A>G), located in coding exon 6 of the PTCH1 gene, results from an A to G substitution at nucleotide position 811. The isoleucine at codon 271 is replaced by valine, an amino acid with highly similar properties. This amino acid position is conserved. In addition, this alteration is predicted to be tolerated by in silico analysis. Since supporting evidence is limited at this time, the clinical significance of this alteration remains unclear.